The following is an entry in ClinVar:

ClinVar aggregate classification (germline): Conflicting classifications of pathogenicity. Review status: criteria provided, conflicting classifications (1 of 4 stars). 3 submissions from 3 submitters: Uncertain significance (2); Likely benign (1). Last evaluated 2024-04-16.

Conditions:
Hereditary breast ovarian cancer syndrome. Also called: BRCA1- and BRCA2-Associated Hereditary Breast and Ovarian Cancer; Hereditary breast and ovarian cancer syndrome; Hereditary breast and ovarian cancer syndrome (HBOC); Hereditary breast and/or ovarian cancer syndrome; Breast and ovarian cancer; Hereditary breast and ovarian cancer. Identifiers: Orphanet 145, MedGen C0677776, MeSH D061325, MONDO:0003582. Disease mechanism: loss of function.
Hereditary cancer-predisposing syndrome. Also called: Hereditary neoplastic syndrome; Neoplastic Syndromes, Hereditary; Hereditary Cancer Syndrome; Tumor predisposition. Identifiers: Orphanet 140162, MedGen C0027672, MeSH D009386, MONDO:0015356.

Submissions (3):

Labcorp Genetics (formerly Invitae), Labcorp
Classification: Uncertain significance for Hereditary breast ovarian cancer syndrome. Last evaluated: 2024-04-16. Review status: criteria provided, single submitter. Criteria: Invitae Variant Classification Sherloc (09022015). Collection method: clinical testing. Allele origin: germline.
Comment: This sequence change replaces asparagine, which is neutral and polar, with lysine, which is basic and polar, at codon 802 of the BRCA2 protein (p.Asn802Lys). This variant is not present in population databases (gnomAD no frequency). This variant has not been reported in the literature in individuals affected with BRCA2-related conditions. ClinVar contains an entry for this variant (Variation ID: 658851). Advanced modeling of protein sequence and biophysical properties (such as structural, functional, and spatial information, amino acid conservation, physicochemical variation, residue mobility, and thermodynamic stability) performed at Invitae indicates that this missense variant is not expected to disrupt BRCA2 protein function with a negative predictive value of 95%. In summary, the available evidence is currently insufficient to determine the role of this variant in disease. Therefore, it has been classified as a Variant of Uncertain Significance.

Ambry Genetics
Classification: Uncertain significance for Hereditary cancer-predisposing syndrome. Last evaluated: 2023-10-10. Review status: criteria provided, single submitter. Criteria: Ambry Variant Classification Scheme 2023. Collection method: clinical testing. Allele origin: germline.
Comment: The p.N802K variant (also known as c.2406T>A), located in coding exon 10 of the BRCA2 gene, results from a T to A substitution at nucleotide position 2406. The asparagine at codon 802 is replaced by lysine, an amino acid with similar properties. This amino acid position is conserved. In addition, this alteration is predicted to be tolerated by in silico analysis. Since supporting evidence is limited at this time, the clinical significance of this alteration remains unclear.

University of Washington Department of Laboratory Medicine, University of Washington
Classification: Likely benign for Hereditary cancer-predisposing syndrome. Last evaluated: 2023-03-23. Review status: criteria provided, single submitter. Criteria: Dines et al. (Genet Med. 2020). Collection method: curation. Allele origin: germline.
Comment: Missense variant in a coldspot region where missense variants are very unlikely to be pathogenic (PMID:31911673).

BRCA2 exon 11 coldspot. Reclassification based on statistical prior probability.

NM_000059.4(BRCA2):c.2406T>A (p.Asn802Lys)

Gene: BRCA2 (BRCA2 DNA repair associated; plus strand). Cytogenetic location: 13q13.1.
Variant type: single nucleotide variant.
Coding change: c.2406T>A on transcript NM_000059.4 (MANE Select); coding-DNA position 2406, T replaced by A.
Protein change: p.Asn802Lys; replaces asparagine 802 with lysine.
Molecular consequence: missense variant.
Genome position (GRCh38, 1-based): chr13:32,336,761, T>A. VCF-style: chr13-32336761-T-A. GRCh37 (hg19) VCF-style: chr13-32910898-T-A.
Other names: short protein forms N802K.
Identifiers: ClinVar variation 658851 (VCV000658851.13), dbSNP rs1593896868, ClinGen allele CA387771998.